The following is an entry in ClinVar:

ClinVar aggregate classification (germline): Conflicting classifications of pathogenicity. Review status: criteria provided, conflicting classifications (1 of 4 stars). 5 submissions from 5 submitters: Uncertain significance (2); Likely benign (2). 1 of the submissions does not count toward it. Last evaluated 2026-03-05.

Conditions:
CDH23-related disorder. Also called: CDH23-related condition; CDH23-related disorders.
Usher syndrome type 1 (USH1). Also called: RETINITIS PIGMENTOSA AND CONGENITAL DEAFNESS. Identifiers: Orphanet 231169, Orphanet 886, MedGen C1568247, MONDO:0010168, OMIM 276900.

Allele frequency attached by ClinVar (database versions not stated): gnomAD exomes 0.00019 and 0.00004; 1000 Genomes Project 0.00020; gnomAD 0.00020 and 0.00015; TOPMed 0.00022; 1000 Genomes Project 30x 0.00031; ExAC 0.00019.
gnomAD v4.1: 90 of 1,613,832 alleles (0.0056%); highest among the groups gnomAD compares: Admixed American, 0.1%; no homozygotes.

Submissions (5):

PreventionGenetics, part of Exact Sciences
Classification: Uncertain significance for CDH23-related condition. Last evaluated: 2026-03-05. Review status: criteria provided, single submitter. Criteria: ACMG Guidelines, 2015. Collection method: clinical testing. Allele origin: germline.
Comment: The CDH23 c.3707G>A variant is predicted to result in the amino acid substitution p.Arg1236Gln. This variant has been reported in an unaffected control in a study of individuals with Usher syndrome (Table 3, Oshima et al. 2009. PubMed ID: 18429043). This variant is reported in 0.11% of alleles in individuals of Latino descent in gnomAD. At this time, the clinical significance of this variant is uncertain due to the absence of conclusive functional and genetic evidence.

Labcorp Genetics (formerly Invitae), Labcorp
Classification: Likely benign. Last evaluated: 2026-01-19. Review status: criteria provided, single submitter. Criteria: Invitae Variant Classification Sherloc (09022015). Collection method: clinical testing. Allele origin: germline.

GeneDx
Classification: Uncertain significance. Last evaluated: 2024-06-11. Review status: criteria provided, single submitter. Criteria: GeneDx Variant Classification Process June 2021. Collection method: clinical testing. Allele origin: germline. Affected: yes.
Comment: In silico analysis supports that this missense variant has a deleterious effect on protein structure/function; Identified in one unaffected control patient in a study of Usher syndrome type I in published literature (PMID: 18429043), has not been published elsewhere as pathogenic or benign to our knowledge; This variant is associated with the following publications: (PMID: 18429043)

Blueprint Genetics
Classification: Likely benign. Last evaluated: 2023-03-02. Review status: criteria provided, single submitter. Criteria: ACMG Guidelines, 2015. Collection method: clinical testing. Allele origin: germline.

Natera, Inc.
Classification: Uncertain significance for Usher syndrome type 1. Last evaluated: 2020-02-15. Review status: no assertion criteria provided. Collection method: clinical testing. Allele origin: germline. Not counted in ClinVar's aggregate classification.

NM_022124.6(CDH23):c.3707G>A (p.Arg1236Gln)

Genes: C10orf105 (chromosome 10 open reading frame 105; minus strand), CDH23 (cadherin related 23; plus strand). Cytogenetic location: 10q22.1.
Variant type: single nucleotide variant.
Coding change: c.3707G>A on transcript NM_022124.6 (MANE Select); coding-DNA position 3707, G replaced by A.
Protein change: p.Arg1236Gln; replaces arginine 1236 with glutamine.
Molecular consequence: missense variant. On other transcripts: intron variant (1).
Genome position (GRCh38, 1-based): chr10:71,730,596, G>A. VCF-style: chr10-71730596-G-A. GRCh37 (hg19) VCF-style: chr10-73490353-G-A.
Other names: c.3707G>A, p.Arg1236Gln (NM_001171930.2); c.-6+7132C>T (NM_001168390.2); short protein forms R1236Q.
Identifiers: ClinVar variation 966785 (VCV000966785.13), dbSNP rs186990940, ClinGen allele CA5544808.